The following is an entry in ClinVar:

ClinVar aggregate classification (germline): Benign/Likely benign. Review status: criteria provided, multiple submitters, no conflicts (2 of 4 stars). 2 submissions from 2 submitters: Benign (1); Likely benign (1). Last evaluated 2025-03-25.

Conditions:
Oligodontia-cancer predisposition syndrome. Also called: TOOTH AGENESIS-COLORECTAL CANCER SYNDROME. Identifiers: Orphanet 300576, MedGen C1837750, MONDO:0012075, OMIM 608615. Disease mechanism: loss of function.

gnomAD v4.1: 2 of 1,614,064 alleles (0.00012%); highest among the groups gnomAD compares: African/African-American, 0.0013%; no homozygotes.

Submissions (2):

Labcorp Genetics (formerly Invitae), Labcorp
Classification: Likely benign for Oligodontia-cancer predisposition syndrome. Last evaluated: 2025-03-25. Review status: criteria provided, single submitter. Criteria: Invitae Variant Classification Sherloc (09022015). Collection method: clinical testing. Allele origin: germline.

Myriad Genetics, Inc.
Classification: Benign for Oligodontia-cancer predisposition syndrome. Last evaluated: 2024-07-11. Review status: criteria provided, single submitter. Criteria: Myriad Autosomal Dominant, Autosomal Recessive and X-Linked Classification Criteria (2023). Collection method: clinical testing. Allele origin: unknown.
Comment: This variant is considered benign. This variant is a silent/synonymous amino acid change and it is not expected to impact splicing.

NM_004655.4(AXIN2):c.2409T>C (p.Tyr803=)

Gene: AXIN2 (axin 2; minus strand). Cytogenetic location: 17q24.1.
Variant type: single nucleotide variant.
Coding change: c.2409T>C on transcript NM_004655.4 (MANE Select); coding-DNA position 2409, T replaced by C.
Protein change: p.Tyr803=; no amino-acid change (tyrosine 803 retained).
Molecular consequence: synonymous variant.
Genome position (GRCh38, 1-based): chr17:65,530,099, A>G on the plus strand (T>C on the coding strand, the complement: AXIN2 is on the minus strand). VCF-style: chr17-65530099-A-G. GRCh37 (hg19) VCF-style: chr17-63526217-A-G.
Other names: c.2214T>C, p.Tyr738= (NM_001363813.1).
Identifiers: ClinVar variation 3379099 (VCV003379099.2).